The following is an entry in ClinVar:

ClinVar aggregate classification (germline): Uncertain significance (1 of 4 stars; one submission).

Conditions:
Encephalopathy, acute, infection-induced (herpes-specific), susceptibility to, 1. Also called: Herpes simplex encephalitis, susceptibility to, 1. Identifiers: Orphanet 1930, MedGen C2750180, MONDO:0024563, OMIM 610551.

Allele frequency attached by ClinVar (database versions not stated): TOPMed below 0.00001; gnomAD 0.00001.
gnomAD v4.1: 4 of 1,614,066 alleles (0.00025%); highest among the groups gnomAD compares: East Asian, 0.0022%; no homozygotes.

Submission:

Labcorp Genetics (formerly Invitae), Labcorp
Classification: Uncertain significance for Encephalopathy, acute, infection-induced (herpes-specific), susceptibility to, 1. Last evaluated: 2025-04-07. Review status: criteria provided, single submitter. Criteria: Invitae Variant Classification Sherloc (09022015). Collection method: clinical testing. Allele origin: germline.
Comment: This sequence change replaces isoleucine, which is neutral and non-polar, with valine, which is neutral and non-polar, at codon 53 of the TLR3 protein (p.Ile53Val). This variant is present in population databases (no rsID available, gnomAD 0.006%). This variant has not been reported in the literature in individuals affected with TLR3-related conditions. ClinVar contains an entry for this variant (Variation ID: 1968909). An algorithm developed to predict the effect of missense changes on protein structure and function (PolyPhen-2) suggests that this variant is likely to be disruptive. In summary, the available evidence is currently insufficient to determine the role of this variant in disease. Therefore, it has been classified as a Variant of Uncertain Significance.

NM_003265.3(TLR3):c.157A>G (p.Ile53Val)

Gene: TLR3 (toll like receptor 3; plus strand). Cytogenetic location: 4q35.1.
Variant type: single nucleotide variant.
Coding change: c.157A>G on transcript NM_003265.3 (MANE Select); coding-DNA position 157, A replaced by G.
Protein change: p.Ile53Val; replaces isoleucine 53 with valine.
Molecular consequence: missense variant.
Genome position (GRCh38, 1-based): chr4:186,076,776, A>G. VCF-style: chr4-186076776-A-G. GRCh37 (hg19) VCF-style: chr4-186997930-A-G.
Other names: short protein forms I53V.
Identifiers: ClinVar variation 1968909 (VCV001968909.5), dbSNP rs1221000109, ClinGen allele CA359107422.